The following is an entry in ClinVar:

NM_001082486.2(ACD):c.331G>A (p.Gly111Ser)

Gene: ACD (ACD shelterin complex subunit and telomerase recruitment factor; minus strand). Cytogenetic location: 16q22.1.
Variant type: single nucleotide variant.
Coding change: c.331G>A on transcript NM_001082486.2 (MANE Select); coding-DNA position 331, G replaced by A.
Protein change: p.Gly111Ser; replaces glycine 111 with serine.
Molecular consequence: missense variant.
Genome position (GRCh38, 1-based): chr16:67,659,707, C>T on the plus strand (G>A on the coding strand, the complement: ACD is on the minus strand). VCF-style: chr16-67659707-C-T. GRCh37 (hg19) VCF-style: chr16-67693610-C-T.
Other names: c.331G>A, p.Gly111Ser (NM_001410884.1); c.322G>A, p.Gly108Ser (NM_022914.3); short protein forms G111S, G108S.
Identifiers: ClinVar variation 1750365 (VCV001750365.2), dbSNP rs368212170, ClinGen allele CA283218443.

ClinVar aggregate classification (germline): Uncertain significance (1 of 4 stars; one submission).

Conditions:
Inborn genetic diseases. Identifiers: MedGen C0950123, MeSH D030342.

Allele frequency attached by ClinVar (database versions not stated): gnomAD 0.00001; gnomAD exomes 0.00001; TOPMed 0.00001; ESP Exome Variant Server 0.00008.

Submission:

Ambry Genetics
Classification: Uncertain significance for Inborn genetic diseases. Last evaluated: 2023-12-04. Review status: criteria provided, single submitter. Criteria: Ambry Variant Classification Scheme 2023. Collection method: clinical testing. Allele origin: germline.
Comment: The p.G197S variant (also known as c.589G>A), located in coding exon 3 of the ACD gene, results from a G to A substitution at nucleotide position 589. The glycine at codon 197 is replaced by serine, an amino acid with similar properties. This amino acid position is conserved. In addition, this alteration is predicted to be tolerated by in silico analysis. Since supporting evidence is limited at this time, the clinical significance of this alteration remains unclear.